The following is an entry in ClinVar:

ClinVar aggregate classification (germline): Likely pathogenic (1 of 4 stars; one submission).

Conditions:
Familial hemophagocytic lymphohistiocytosis 3 (FHL3). Also called: UNC13D-Related Familial Hemophagocytic Lymphohistiocytosis (UNC13D-fHLH). Identifiers: Orphanet 540, MedGen C1837174, MONDO:0012146, OMIM 608898.

Submission:

Labcorp Genetics (formerly Invitae), Labcorp
Classification: Likely pathogenic for Familial hemophagocytic lymphohistiocytosis 3. Last evaluated: 2024-10-13. Review status: criteria provided, single submitter. Criteria: Invitae Variant Classification Sherloc (09022015). Collection method: clinical testing. Allele origin: germline.
Comment: This variant results in the deletion of part of exon 3 (c.258_261+16del) of the UNC13D gene. It is expected to disrupt RNA splicing. Variants that disrupt the donor or acceptor splice site typically lead to a loss of protein function (PMID: 16199547), and loss-of-function variants in UNC13D are known to be pathogenic (PMID: 14622600). This variant is not present in population databases (gnomAD no frequency). This variant has not been reported in the literature in individuals affected with UNC13D-related conditions. In summary, the currently available evidence indicates that the variant is pathogenic, but additional data are needed to prove that conclusively. Therefore, this variant has been classified as Likely Pathogenic.

Literature cited by the submitters: PubMed 16199547; PubMed 14622600.

NM_199242.3(UNC13D):c.258_261+16del

Gene: UNC13D (unc-13 homolog D; minus strand). Cytogenetic location: 17q25.1.
Variant type: Deletion.
Coding change: c.258_261+16del on transcript NM_199242.3 (MANE Select); coding-DNA position 258 through 16 bases into the intron after coding-DNA position 261, 20 bases deleted (GGAGGTGAGCCCGGCTCCCA).
Molecular consequence: splice donor variant.
Genome position (GRCh38, 1-based): chr17:75,843,143-75,843,162, TGGGAGCCGGGCTCACCTCC deleted on the plus strand (GGAGGTGAGCCCGGCTCCCA on the coding strand, the reverse complement: UNC13D is on the minus strand); deleting any 20 consecutive bases within chr17:75,843,143-75,843,164 gives the same sequence; the c. name uses the placement nearest the transcript's 3' end. VCF-style (leftmost placement, unchanged base first): chr17-75843142-GTGGGAGCCGGGCTCACCTCC-G. GRCh37 (hg19) VCF-style: chr17-73839223-GTGGGAGCCGGGCTCACCTCC-G.
Identifiers: ClinVar variation 2852177 (VCV002852177.3), dbSNP rs2064961372, ClinGen allele CA2275710377.